The following is an entry in ClinVar:

NM_203447.4(DOCK8):c.5490+3A>T

Gene: DOCK8 (dedicator of cytokinesis 8; plus strand). Cytogenetic location: 9p24.3.
Variant type: single nucleotide variant.
Coding change: c.5490+3A>T on transcript NM_203447.4 (MANE Select); 3 bases into the intron after coding-DNA position 5490, A replaced by T.
Molecular consequence: intron variant.
Genome position (GRCh38, 1-based): chr9:442,012, A>T. VCF-style: chr9-442012-A-T. GRCh37 (hg19) VCF-style: chr9-442012-A-T.
Other names: c.5286+3A>T (NM_001193536.2); c.5190+3A>T (NM_001190458.2).
Identifiers: ClinVar variation 3049483 (VCV003049483.2), dbSNP rs2057109067, ClinGen allele CA1120380314.

ClinVar aggregate classification (germline): Likely benign (0 of 4 stars; one submission).

Conditions:
DOCK8-related disorder. Also called: DOCK8-related condition.

Allele frequency attached by ClinVar (database versions not stated): gnomAD 0.00001; TOPMed 0.00001.
gnomAD v4.1: 1 of 1,613,850 alleles (0.000062%); highest among the groups gnomAD compares: African/African-American, 0.0013%; no homozygotes.

Submission:

PreventionGenetics, part of Exact Sciences
Classification: Likely benign for DOCK8-related condition. Last evaluated: 2023-09-21. Review status: no assertion criteria provided. Collection method: clinical testing. Allele origin: germline.
Comment: This variant is classified as likely benign based on ACMG/AMP sequence variant interpretation guidelines (Richards et al. 2015 PMID: 25741868, with internal and published modifications).